The following is an entry in ClinVar:

NM_005413.4(SIX3):c.993T>C (p.Asp331=)

Gene: SIX3 (SIX homeobox 3; plus strand). Cytogenetic location: 2p21.
Variant type: single nucleotide variant.
Coding change: c.993T>C on transcript NM_005413.4 (MANE Select); coding-DNA position 993, T replaced by C.
Protein change: p.Asp331=; no amino-acid change (aspartic acid 331 retained).
Molecular consequence: synonymous variant.
Genome position (GRCh38, 1-based): chr2:44,944,754, T>C. VCF-style: chr2-44944754-T-C. GRCh37 (hg19) VCF-style: chr2-45171893-T-C.
Identifiers: ClinVar variation 3030585 (VCV003030585.2), dbSNP rs1276811710, ClinGen allele CA426047068.

ClinVar aggregate classification (germline): Likely benign (0 of 4 stars; one submission).

Conditions:
SIX3-related disorder. Also called: SIX3-related condition; SIX3-Related Disorders.

Allele frequency attached by ClinVar (database versions not stated): gnomAD exomes below 0.00001; TOPMed below 0.00001.
gnomAD v4.1: 5 of 1,584,580 alleles (0.00032%); highest among the groups gnomAD compares: Middle Eastern, 0.017%; no homozygotes.

Submission:

PreventionGenetics, part of Exact Sciences
Classification: Likely benign for SIX3-related condition. Last evaluated: 2021-03-31. Review status: no assertion criteria provided. Collection method: clinical testing. Allele origin: germline.
Comment: This variant is classified as likely benign based on ACMG/AMP sequence variant interpretation guidelines (Richards et al. 2015 PMID: 25741868, with internal and published modifications).